The following is an entry in ClinVar:

ClinVar aggregate classification (germline): Uncertain significance (1 of 4 stars; one submission).

Conditions:
Microcephaly 2, primary, autosomal recessive, with or without cortical malformations. Also called: MICROCEPHALY 2, PRIMARY, AUTOSOMAL RECESSIVE, WITH CORTICAL MALFORMATIONS; WDR62 Primary Microcephaly. Identifiers: Orphanet 2512, MedGen C1858535, MONDO:0011435, OMIM 604317.

Submission:

Victorian Clinical Genetics Services, Murdoch Childrens Research Institute
Classification: Uncertain significance for Microcephaly 2, primary, autosomal recessive, with or without cortical malformations. Last evaluated: 2019-08-28. Review status: criteria provided, single submitter. Criteria: ACMG Guidelines, 2015. Collection method: clinical testing. Allele origin: germline. Inheritance: Autosomal recessive inheritance.
Comment: A heterozygous splice site variant, NM_001083961.1(WDR62):c.3336-6C>G, has been identified in exon intron 27 of 31 of the WDR62 gene. The effect of this variant on the protein sequence is unknown. The nucleotide at this position has low conservation (Phylop UCSC). This nucleotide substitution is not predicted to cause aberrant splicing of exon in in the WDR62 gene; further testing via RNA studies are required to confirm if splicing is altered. The variant is absent in population databases (gnomAD). This variant has not been previously reported in clinical cases. Based on the information available at the time of curation, this variant has been classified as a VARIANT of UNCERTAIN SIGNIFICANCE (VUS) with LOW CLINICAL RELEVANCE.

NM_001083961.2(WDR62):c.3336-6C>G

Gene: WDR62 (WD repeat domain 62; plus strand). Cytogenetic location: 19q13.12.
Variant type: single nucleotide variant.
Coding change: c.3336-6C>G on transcript NM_001083961.2 (MANE Select); 6 bases into the intron before coding-DNA position 3336, C replaced by G.
Molecular consequence: intron variant.
Genome position (GRCh38, 1-based): chr19:36,102,942, C>G. VCF-style: chr19-36102942-C-G. GRCh37 (hg19) VCF-style: chr19-36593844-C-G.
Other names: c.3321-6C>G (NM_173636.5).
Identifiers: ClinVar variation 1806279 (VCV001806279.1), dbSNP rs1599846178, ClinGen allele CA913203540.